The following is an entry in ClinVar:

ClinVar aggregate classification (germline): Uncertain significance. Review status: criteria provided, multiple submitters, no conflicts (2 of 4 stars). 2 submissions from 2 submitters: Uncertain significance (2). Last evaluated 2025-07-14.

Allele frequency attached by ClinVar (database versions not stated): gnomAD exomes 0.00004 and 0.00007; TOPMed 0.00005; gnomAD 0.00007 and 0.00009; ExAC 0.00010; 1000 Genomes Project 30x 0.00047; 1000 Genomes Project 0.00060.
gnomAD v4.1: 73 of 1,583,948 alleles (0.0046%); highest among the groups gnomAD compares: East Asian, 0.049%; no homozygotes.

Submissions (2):

Labcorp Genetics (formerly Invitae), Labcorp
Classification: Uncertain significance. Last evaluated: 2025-07-14. Review status: criteria provided, single submitter. Criteria: Invitae Variant Classification Sherloc (09022015). Collection method: clinical testing. Allele origin: germline.
Comment: This sequence change replaces valine, which is neutral and non-polar, with isoleucine, which is neutral and non-polar, at codon 118 of the PDE6B protein (p.Val118Ile). This variant is present in population databases (rs201253138, gnomAD 0.06%). This variant has not been reported in the literature in individuals affected with PDE6B-related conditions. ClinVar contains an entry for this variant (Variation ID: 1063000). Invitae Evidence Modeling of protein sequence and biophysical properties (such as structural, functional, and spatial information, amino acid conservation, physicochemical variation, residue mobility, and thermodynamic stability) indicates that this missense variant is not expected to disrupt PDE6B protein function with a negative predictive value of 95%. In summary, the available evidence is currently insufficient to determine the role of this variant in disease. Therefore, it has been classified as a Variant of Uncertain Significance.

Blueprint Genetics
Classification: Uncertain significance. Last evaluated: 2024-05-08. Review status: criteria provided, single submitter. Criteria: ACMG Guidelines, 2015. Collection method: clinical testing. Allele origin: germline.

NM_000283.4(PDE6B):c.352G>A (p.Val118Ile)

Gene: PDE6B (phosphodiesterase 6B; plus strand). Cytogenetic location: 4p16.3.
Variant type: single nucleotide variant.
Coding change: c.352G>A on transcript NM_000283.4 (MANE Select); coding-DNA position 352, G replaced by A.
Protein change: p.Val118Ile; replaces valine 118 with isoleucine.
Molecular consequence: missense variant.
Genome position (GRCh38, 1-based): chr4:625,978, G>A. VCF-style: chr4-625978-G-A. GRCh37 (hg19) VCF-style: chr4-619767-G-A.
Other names: c.352G>A, p.Val118Ile (NM_001145291.2); short protein forms V118I.
Identifiers: ClinVar variation 1063000 (VCV001063000.10), dbSNP rs201253138, ClinGen allele CA2793917.